The following is an entry in ClinVar:

ClinVar aggregate classification (germline): Benign/Likely benign. Review status: criteria provided, multiple submitters, no conflicts (2 of 4 stars). 4 submissions from 4 submitters: Benign (1); Likely benign (2). 1 of the submissions does not count toward it. Last evaluated 2026-01-18.

Conditions:
AEBP1-related disorder. Also called: AEBP1-related condition.

Allele frequency attached by ClinVar (database versions not stated): gnomAD exomes 0.00045; 1000 Genomes Project 30x 0.00047; ExAC 0.00054; 1000 Genomes Project 0.00060; ESP Exome Variant Server 0.00146.

Submissions (4):

Labcorp Genetics (formerly Invitae), Labcorp
Classification: Benign. Last evaluated: 2026-01-18. Review status: criteria provided, single submitter. Criteria: Invitae Variant Classification Sherloc (09022015). Collection method: clinical testing. Allele origin: germline.

Women's Health and Genetics/Laboratory Corporation of America, LabCorp
Classification: Likely benign. Last evaluated: 2025-06-05. Review status: criteria provided, single submitter. Criteria: LabCorp Variant Classification Summary - May 2015. Collection method: clinical testing. Allele origin: germline.

Blueprint Genetics
Classification: Likely benign. Last evaluated: 2024-10-03. Review status: criteria provided, single submitter. Criteria: ACMG Guidelines, 2015. Collection method: clinical testing. Allele origin: germline.

PreventionGenetics, part of Exact Sciences
Classification: Likely benign for AEBP1-related condition. Last evaluated: 2022-02-10. Review status: no assertion criteria provided. Collection method: clinical testing. Allele origin: germline. Not counted in ClinVar's aggregate classification.
Comment: This variant is classified as likely benign based on ACMG/AMP sequence variant interpretation guidelines (Richards et al. 2015 PMID: 25741868, with internal and published modifications).

NM_001129.5(AEBP1):c.2604C>T (p.Cys868=)

Gene: AEBP1 (AE binding protein 1; plus strand). Cytogenetic location: 7p13.
Variant type: single nucleotide variant.
Coding change: c.2604C>T on transcript NM_001129.5 (MANE Select); coding-DNA position 2604, C replaced by T.
Protein change: p.Cys868=; no amino-acid change (cysteine 868 retained).
Molecular consequence: synonymous variant.
Genome position (GRCh38, 1-based): chr7:44,113,025, C>T. VCF-style: chr7-44113025-C-T. GRCh37 (hg19) VCF-style: chr7-44152624-C-T.
Other names: c.2604C>T (NM_001129.4).
Identifiers: ClinVar variation 1606703 (VCV001606703.12), dbSNP rs145586647, ClinGen allele CA4238260.